The following is an entry in ClinVar:

ClinVar aggregate classification (germline): Conflicting classifications of pathogenicity. Review status: criteria provided, conflicting classifications (1 of 4 stars). 2 submissions from 2 submitters: Uncertain significance (1); Benign (1). Last evaluated 2025-12-08.

Conditions:
Hereditary cancer-predisposing syndrome. Also called: Neoplastic Syndromes, Hereditary; Hereditary Cancer Syndrome; Tumor predisposition; Hereditary neoplastic syndrome. Identifiers: Orphanet 140162, MedGen C0027672, MeSH D009386, MONDO:0015356.
Tuberous sclerosis 2 (TSC2). Identifiers: Orphanet 805, MedGen C1860707, MONDO:0013199, OMIM 613254.

Allele frequency attached by ClinVar (database versions not stated): gnomAD exomes below 0.00001.
gnomAD v4.1: 1 of 1,613,412 alleles (0.000062%); highest among the groups gnomAD compares: East Asian, 0.0022%; no homozygotes.

Submissions (2):

Labcorp Genetics (formerly Invitae), Labcorp
Classification: Benign for Tuberous sclerosis 2. Last evaluated: 2025-12-08. Review status: criteria provided, single submitter. Criteria: Invitae Variant Classification Sherloc (09022015). Collection method: clinical testing. Allele origin: germline.

Ambry Genetics
Classification: Uncertain significance for Hereditary cancer-predisposing syndrome. Last evaluated: 2024-05-12. Review status: criteria provided, single submitter. Criteria: Ambry Variant Classification Scheme 2023. Collection method: clinical testing. Allele origin: germline.
Comment: The p.L578V variant (also known as c.1732C>G), located in coding exon 16 of the TSC2 gene, results from a C to G substitution at nucleotide position 1732. The leucine at codon 578 is replaced by valine, an amino acid with highly similar properties. This amino acid position is conserved. In addition, this alteration is predicted to be deleterious by in silico analysis. Based on the available evidence, the clinical significance of this variant remains unclear.

NM_000548.5(TSC2):c.1732C>G (p.Leu578Val)

Gene: TSC2 (TSC complex subunit 2; plus strand). Cytogenetic location: 16p13.3.
Variant type: single nucleotide variant.
Coding change: c.1732C>G on transcript NM_000548.5 (MANE Select); coding-DNA position 1732, C replaced by G.
Protein change: p.Leu578Val; replaces leucine 578 with valine.
Molecular consequence: missense variant.
Genome position (GRCh38, 1-based): chr16:2,070,471, C>G. VCF-style: chr16-2070471-C-G. GRCh37 (hg19) VCF-style: chr16-2120472-C-G.
Other names: c.1732C>G (NM_000548.3); c.1585C>G, p.Leu529Val (NM_001318829.2); c.1132C>G, p.Leu378Val (NM_001318831.2); c.1765C>G, p.Leu589Val (NM_001318832.2); c.1732C>G, p.Leu578Val (NM_001363528.2, NM_001370404.1, NM_001370405.1 and 3 more transcripts); c.1621C>G, p.Leu541Val (NM_001318827.2); short protein forms L378V, L529V, L589V, L541V, L578V.
Identifiers: ClinVar variation 1036242 (VCV001036242.10), dbSNP rs1204972424, ClinGen allele CA394272703.